The following is an entry in ClinVar:

ClinVar aggregate classification (germline): Uncertain significance. Review status: criteria provided, single submitter (1 of 4 stars). 2 submissions from 2 submitters: Uncertain significance (1). 1 of the submissions does not count toward it. Last evaluated 2018-02-15.

Conditions:
Usher syndrome type 2A. Also called: USHER SYNDROME, TYPE IIA; RETINAL DISEASE IN USHER SYNDROME TYPE IIA, MODIFIER OF. Identifiers: Orphanet 231178, Orphanet 886, MedGen C1848634, MONDO:0010169, OMIM 276901.

Allele frequency attached by ClinVar (database versions not stated): gnomAD 0.00001.
gnomAD v4.1: 1 of 1,613,622 alleles (0.000062%); highest among the groups gnomAD compares: African/African-American, 0.0013%; no homozygotes.

Submissions (2):

Laboratory for Molecular Medicine, Mass General Brigham Personalized Medicine
Classification: Uncertain significance. Last evaluated: 2018-02-15. Review status: criteria provided, single submitter. Criteria: LMM Criteria. Collection method: clinical testing. Allele origin: germline. Observed: 1 variant allele.
Comment: The p.Ala3866Pro variant in USH2A has not been previously reported in individual s with Usher syndrome and was absent from large population studies. Computationa l prediction tools and conservation analysis suggest that the p.Ala3866Pro varia nt may not impact the protein, though this information is not predictive enough to rule out pathogenicity. In summary, the clinical significance of the p.Ala386 6Pro variant is uncertain. ACMG/AMP Criteria applied: PM2, BP4.

Natera, Inc.
Classification: Uncertain significance for Usher syndrome type 2A. Last evaluated: 2021-02-18. Review status: no assertion criteria provided. Collection method: clinical testing. Allele origin: germline. Not counted in ClinVar's aggregate classification.

Literature cited by the submitters: PubMed 22135276 (cited by Laboratory for Molecular Medicine, Mass General Brigham Personalized Medicine).

NM_206933.4(USH2A):c.11596G>C (p.Ala3866Pro)

Gene: USH2A (usherin; minus strand). Cytogenetic location: 1q41.
Variant type: single nucleotide variant.
Coding change: c.11596G>C on transcript NM_206933.4 (MANE Select); coding-DNA position 11596, G replaced by C.
Protein change: p.Ala3866Pro; replaces alanine 3866 with proline.
Molecular consequence: missense variant.
Genome position (GRCh38, 1-based): chr1:215,741,490, C>G on the plus strand (G>C on the coding strand, the complement: USH2A is on the minus strand). VCF-style: chr1-215741490-C-G. GRCh37 (hg19) VCF-style: chr1-215914832-C-G.
Other names: short protein forms A3866P.
Identifiers: ClinVar variation 667355 (VCV000667355.5), dbSNP rs1571639421, ClinGen allele CA344833779.